The following is an entry in ClinVar:

NM_001130438.3(SPTAN1):c.6241A>C (p.Lys2081Gln)

Gene: SPTAN1 (spectrin alpha, non-erythrocytic 1; plus strand). Cytogenetic location: 9q34.11.
Variant type: single nucleotide variant.
Coding change: c.6241A>C on transcript NM_001130438.3 (MANE Select); coding-DNA position 6241, A replaced by C.
Protein change: p.Lys2081Gln; replaces lysine 2081 with glutamine.
Molecular consequence: missense variant.
Genome position (GRCh38, 1-based): chr9:128,625,940, A>C. VCF-style: chr9-128625940-A-C. GRCh37 (hg19) VCF-style: chr9-131388219-A-C.
Other names: c.6166A>C, p.Lys2056Gln (NM_001195532.2, NM_001438441.1, NM_001438444.1); c.6241A>C, p.Lys2081Gln (NM_001363759.2, NM_001375310.1, NM_001375311.2 and 1 more transcripts); c.6181A>C, p.Lys2061Gln (NM_001363765.2, NM_001375314.2, NM_001438442.1); c.6277A>C, p.Lys2093Gln (NM_001375312.2, NM_001375318.1, NM_001438440.1); c.6226A>C, p.Lys2076Gln (NM_001438443.1, NM_001438445.1, NM_003127.4); short protein forms K2056Q, K2061Q, K2076Q, K2081Q, K2093Q.
Identifiers: ClinVar variation 4632084 (VCV004632084.1).
Genomic context (GRCh38, chr9:128,625,940, plus strand): 5'-GCCCGGCACGCCTCCCTCATGAAGAGGTGGAGCCAGCTTCTGGCCAACTCAGCCGCCCGC[A>C]AGAAGAAGCTTCTGGAGGCTCAGAGTCACTTCCGCAAGGTGAGGATGGGGCCACGTGAAG-3'
Protein context (NP_001123910.1, residues 2071-2091): SQLLANSAAR[Lys2081Gln]KKLLEAQSHF

ClinVar aggregate classification (germline): Uncertain significance (1 of 4 stars; one submission).

Conditions:
Inborn genetic diseases. Identifiers: MedGen C0950123, MeSH D030342.

gnomAD v4.1: 1 of 1,614,022 alleles (0.000062%); highest among the groups gnomAD compares: African/African-American, 0.0013%; no homozygotes.

Submission:

Ambry Genetics
Classification: Uncertain significance for Inborn genetic diseases. Last evaluated: 2025-09-25. Review status: criteria provided, single submitter. Criteria: Ambry Variant Classification Scheme 2023. Collection method: clinical testing. Allele origin: germline.
Comment: The c.6241A>C (p.K2081Q) alteration is located in exon 48 (coding exon 47) of the SPTAN1 gene. This alteration results from a A to C substitution at nucleotide position 6241, causing the lysine (K) at amino acid position 2081 to be replaced by a glutamine (Q). Based on data from gnomAD, the C allele has an overall frequency of <0.001% (1/251440) total alleles studied. The highest observed frequency was 0.006% (1/16246) of African alleles. Based on insufficient or conflicting evidence, the clinical significance of this alteration remains unclear.